The following is an entry in ClinVar:

NM_001130438.3(SPTAN1):c.3474G>C (p.Glu1158Asp)

Gene: SPTAN1 (spectrin alpha, non-erythrocytic 1; plus strand). Cytogenetic location: 9q34.11.
Variant type: single nucleotide variant.
Coding change: c.3474G>C on transcript NM_001130438.3 (MANE Select); coding-DNA position 3474, G replaced by C.
Protein change: p.Glu1158Asp; replaces glutamic acid 1158 with aspartic acid.
Molecular consequence: missense variant.
Genome position (GRCh38, 1-based): chr9:128,598,459, G>C. VCF-style: chr9-128598459-G-C. GRCh37 (hg19) VCF-style: chr9-131360738-G-C.
Other names: c.3414G>C, p.Glu1138Asp (NM_001195532.2, NM_001363765.2, NM_001375314.2); c.3474G>C, p.Glu1158Asp (NM_001363759.2, NM_001375310.1, NM_001375311.2 and 2 more transcripts); c.3510G>C, p.Glu1170Asp (NM_001375312.2, NM_001375318.1); short protein forms E1138D, E1158D, E1170D.
Identifiers: ClinVar variation 1303607 (VCV001303607.2), dbSNP rs2131437997, ClinGen allele CA375062351.

ClinVar aggregate classification (germline): Uncertain significance (1 of 4 stars; one submission).

Submission:

GeneDx
Classification: Uncertain significance. Last evaluated: 2021-02-08. Review status: criteria provided, single submitter. Criteria: GeneDx Variant Classification Process June 2021. Collection method: clinical testing. Allele origin: germline. Affected: yes.
Comment: Not observed in large population cohorts (Lek et al., 2016); In silico analysis supports that this missense variant does not alter protein structure/function; Has not been previously published as pathogenic or benign to our knowledge